The following is an entry in ClinVar:

NM_001376.5(DYNC1H1):c.11423GCA[2] (p.Ser3810del)

Gene: DYNC1H1 (dynein cytoplasmic 1 heavy chain 1; plus strand). Cytogenetic location: 14q32.31.
Variant type: Microsatellite.
Coding change: c.11423GCA[2] on transcript NM_001376.5 (MANE Select); two copies in a row of the 3-base unit GCA starting at c.11423; the reference has three copies in a row; one copy, 3 bases deleted.
Protein change: p.Ser3810del; deletes serine 3810.
Molecular consequence: inframe deletion.
Genome position (GRCh38, 1-based): chr14:102,039,223-102,039,225, GCA deleted; deleting any 3 consecutive bases within chr14:102,039,217-102,039,225 gives the same sequence; the position shown is the placement nearest the transcript's 3' end. VCF-style (leftmost placement, unchanged base first): chr14-102039216-TGCA-T. GRCh37 (hg19) VCF-style: chr14-102505553-TGCA-T.
Other names: short protein forms S3810del.
Identifiers: ClinVar variation 2695467 (VCV002695467.3), dbSNP rs2503844940, ClinGen allele CA2697554212.
Genomic context (GRCh38, chr14:102,039,216, plus strand): 5'-GACATTGTCATGCAGGAGGTGGAGACCGTGTCCCAGCAGTACCTCCCGCTCTCCACCGCC[TGCA>T]GCAGCATCTACTTCACCATGGAGTCCCTCAAGCAGGTGGGTGCCTTGGCCATGCAGAGAC-3'

ClinVar aggregate classification (germline): Likely pathogenic (1 of 4 stars; one submission).

Conditions:
Charcot-Marie-Tooth disease axonal type 2O. Also called: CHARCOT-MARIE-TOOTH NEUROPATHY, AXONAL, TYPE 2O; CHARCOT-MARIE-TOOTH DISEASE, AXONAL, AUTOSOMAL DOMINANT, TYPE 2O; Charcot-Marie-Tooth Neuropathy Type 2O; Charcot-Marie-Tooth disease, axonal, type 20. Identifiers: Orphanet 284232, MedGen C3280220, MONDO:0013644, OMIM 614228.

Submission:

Labcorp Genetics (formerly Invitae), Labcorp
Classification: Likely pathogenic for Charcot-Marie-Tooth disease axonal type 2O. Last evaluated: 2024-01-02. Review status: criteria provided, single submitter. Criteria: Invitae Variant Classification Sherloc (09022015). Collection method: clinical testing. Allele origin: germline.
Comment: This variant, c.11429_11431del, results in the deletion of 1 amino acid(s) of the DYNC1H1 protein (p.Ser3810del), but otherwise preserves the integrity of the reading frame. This variant is not present in population databases (gnomAD no frequency). This variant has been observed in individual(s) with clinical features of DYNC1H1-related conditions (Invitae). In at least one individual the variant was observed to be de novo. Experimental studies and prediction algorithms are not available or were not evaluated, and the functional significance of this variant is currently unknown. In summary, the currently available evidence indicates that the variant is pathogenic, but additional data are needed to prove that conclusively. Therefore, this variant has been classified as Likely Pathogenic.